The following is an entry in ClinVar:

NM_001371727.1(GABRB2):c.1530T>A (p.Tyr510Ter)

Gene: GABRB2 (gamma-aminobutyric acid type A receptor subunit beta2; minus strand). Cytogenetic location: 5q34.
Variant type: single nucleotide variant.
Coding change: c.1530T>A on transcript NM_001371727.1 (MANE Select); coding-DNA position 1530, T replaced by A.
Protein change: p.Tyr510Ter; replaces tyrosine 510 with a stop codon.
Molecular consequence: nonsense.
Genome position (GRCh38, 1-based): chr5:161,294,090, A>T on the plus strand (T>A on the coding strand, the complement: GABRB2 is on the minus strand). VCF-style: chr5-161294090-A-T. GRCh37 (hg19) VCF-style: chr5-160721097-A-T.
Other names: c.1416T>A, p.Tyr472Ter (NM_000813.3); c.1530T>A, p.Tyr510Ter (NM_021911.3); short protein forms Y472*, Y510*.
Identifiers: ClinVar variation 5001987 (VCV005001987.1).
Genomic context (GRCh38, chr5:161,294,090, plus strand): 5'-CAACTGGTTTGAGGAGGAATCTAGTCCTTGCTTCCAGTGGGAGGCCATGTTTTAGTTCAC[A>T]TAATAAAGCCAATAGACGATGTTGAAGAAGGAAAAAACCACTGGGAAGAATATGCGGGAC-3'

ClinVar aggregate classification (germline): Uncertain significance (1 of 4 stars; one submission).

Conditions:
GABRB2-related disorder. Also called: GABRB2-related condition.

Submission:

PreventionGenetics, part of Exact Sciences
Classification: Uncertain significance for GABRB2-related condition. Last evaluated: 2026-08-12. Review status: criteria provided, single submitter. Criteria: ACMG Guidelines, 2015. Collection method: clinical testing. Allele origin: germline.
Comment: The GABRB2 c.1530T>A variant is predicted to result in premature protein termination (p.Tyr510*). This variant resides in the final exon of this gene, and it is unclear if the resulting mRNA would undergo nonsense-mediated decay. To our knowledge, this variant has not been reported in the literature or in a large population database (gnomAD), indicating this variant is rare. At this time, the clinical significance of this variant is uncertain due to the absence of conclusive functional and genetic evidence.